The following is an entry in ClinVar:

ClinVar aggregate classification (germline): Uncertain significance (1 of 4 stars; one submission).

Conditions:
Holoprosencephaly 5 (HPE5). Identifiers: Orphanet 2162, MedGen C1864827, MONDO:0012322, OMIM 609637.

Submission:

Labcorp Genetics (formerly Invitae), Labcorp
Classification: Uncertain significance for Holoprosencephaly 5. Last evaluated: 2025-09-24. Review status: criteria provided, single submitter. Criteria: Invitae Variant Classification Sherloc (09022015). Collection method: clinical testing. Allele origin: germline.
Comment: This variant, c.1392_1400del, results in the deletion of 3 amino acid(s) of the ZIC2 protein (p.Ala468_Ala470del), but otherwise preserves the integrity of the reading frame. The frequency data for this variant in the population databases is considered unreliable, as metrics indicate poor data quality at this position in the gnomAD database. This variant has been observed in individual(s) with cleft palate (PMID: 37589029). ClinVar contains an entry for this variant (Variation ID: 2064140). Experimental studies and prediction algorithms are not available or were not evaluated, and the functional significance of this variant is currently unknown. In summary, the available evidence is currently insufficient to determine the role of this variant in disease. Therefore, it has been classified as a Variant of Uncertain Significance.

Literature cited by the submitters: PubMed 37589029.

NM_007129.5(ZIC2):c.1392_1400del (p.Ala468_Ala470del)

Genes: ZIC2 (Zic family zinc finger 2; plus strand), LOC110008580 (Zic family member 2 polyalanine repeat instability region; plus strand). Cytogenetic location: 13q32.3.
Variant type: Deletion.
Coding change: c.1392_1400del on transcript NM_007129.5 (MANE Select); coding-DNA positions 1392 to 1400, 9 bases deleted (TGCGGCGGC; older notation c.1392_1400delTGCGGCGGC).
Protein change: p.Ala468_Ala470del.
Molecular consequence: inframe deletion.
Genome position (GRCh38, 1-based): chr13:99,985,475-99,985,483, TGCGGCGGC deleted; deleting any 9 consecutive bases within chr13:99,985,467-99,985,483 gives the same sequence; the c. name uses the placement nearest the transcript's 3' end. VCF-style (leftmost placement, unchanged base first): chr13-99985466-GGCGGCGGCT-G. GRCh37 (hg19) VCF-style: chr13-100637720-GGCGGCGGCT-G.
Identifiers: ClinVar variation 2064140 (VCV002064140.4), dbSNP rs765889921, ClinGen allele CA7032991.